The following is an entry in ClinVar:

ClinVar aggregate classification (germline): Pathogenic (1 of 4 stars; one submission).

Conditions:
Duchenne muscular dystrophy (DMD). Also called: Duchenne Muscular Dystrophy (DMD); MUSCULAR DYSTROPHY, PSEUDOHYPERTROPHIC PROGRESSIVE, DUCHENNE TYPE. Identifiers: Orphanet 98896, MedGen C0013264, MONDO:0010679, OMIM 310200.

Submission:

Labcorp Genetics (formerly Invitae), Labcorp
Classification: Pathogenic for Duchenne muscular dystrophy. Last evaluated: 2023-06-05. Review status: criteria provided, single submitter. Criteria: Invitae Variant Classification Sherloc (09022015). Collection method: clinical testing. Allele origin: germline.
Comment: This sequence change creates a premature translational stop signal (p.Gln3398*) in the DMD gene. It is expected to result in an absent or disrupted protein product. Loss-of-function variants in DMD are known to be pathogenic (PMID: 16770791, 25007885). For these reasons, this variant has been classified as Pathogenic. Algorithms developed to predict the effect of sequence changes on RNA splicing suggest that this variant may disrupt the consensus splice site. ClinVar contains an entry for this variant (Variation ID: 1453123). This variant has not been reported in the literature in individuals affected with DMD-related conditions. This variant is not present in population databases (gnomAD no frequency).

Literature cited by the submitters: PubMed 16770791; PubMed 25007885.

NM_004006.3(DMD):c.10192C>T (p.Gln3398Ter)

Gene: DMD (dystrophin; minus strand). Cytogenetic location: Xp21.2.
Variant type: single nucleotide variant.
Coding change: c.10192C>T on transcript NM_004006.3 (MANE Select); coding-DNA position 10192, C replaced by T.
Protein change: p.Gln3398Ter; replaces glutamine 3398 with a stop codon.
Molecular consequence: nonsense.
Genome position (GRCh38, 1-based): chrX:31,178,700, G>A on the plus strand (C>T on the coding strand, the complement: DMD is on the minus strand). VCF-style: chrX-31178700-G-A. GRCh37 (hg19) VCF-style: chrX-31196817-G-A.
Other names: c.10168C>T, p.Gln3390Ter (NM_000109.4); c.10180C>T, p.Gln3394Ter (NM_004009.3); c.9823C>T, p.Gln3275Ter (NM_004010.3); c.6169C>T, p.Gln2057Ter (NM_004011.4); c.6160C>T, p.Gln2054Ter (NM_004012.4); c.2812C>T, p.Gln938Ter (NM_004013.3, NM_004020.4, NM_004021.3 and 2 more transcripts); c.2005C>T, p.Gln669Ter (NM_004014.3); c.988C>T, p.Gln330Ter (NM_004015.3, NM_004016.3, NM_004017.3 and 2 more transcripts); short protein forms Q3398*, Q669*, Q2054*, Q2057*, Q3275*, Q330*, Q3390*, Q938*.
Identifiers: ClinVar variation 1453123 (VCV001453123.6), dbSNP rs398123833, ClinGen allele CA266862.